The following is an entry in ClinVar:

NM_001242896.3(DEPDC5):c.368G>A (p.Ser123Asn)

Gene: DEPDC5 (DEP domain containing 5, GATOR1 subcomplex subunit; plus strand). Cytogenetic location: 22q12.2.
Variant type: single nucleotide variant.
Coding change: c.368G>A on transcript NM_001242896.3 (MANE Select); coding-DNA position 368, G replaced by A.
Protein change: p.Ser123Asn; replaces serine 123 with asparagine.
Molecular consequence: missense variant. On other transcripts: non-coding transcript variant (5).
Genome position (GRCh38, 1-based): chr22:31,768,818, G>A. VCF-style: chr22-31768818-G-A. GRCh37 (hg19) VCF-style: chr22-32164804-G-A.
Other names: c.368G>A, p.Ser123Asn (NM_001007188.4, NM_001136029.4, NM_001242897.2 and 7 more transcripts); c.284G>A, p.Ser95Asn (NM_001369901.1, NM_001369902.1); short protein forms S123N, S95N.
Identifiers: ClinVar variation 4010980 (VCV004010980.2).

ClinVar aggregate classification (germline): Uncertain significance. Review status: criteria provided, multiple submitters, no conflicts (2 of 4 stars). 2 submissions from 2 submitters: Uncertain significance (2). Last evaluated 2025-10-26.

Conditions:
Familial focal epilepsy with variable foci (FPEVF). Identifiers: Orphanet 98820, MedGen C1858477, MONDO:0020310.
Inborn genetic diseases. Identifiers: MedGen C0950123, MeSH D030342.

Submissions (2):

Labcorp Genetics (formerly Invitae), Labcorp
Classification: Uncertain significance for Familial focal epilepsy with variable foci. Last evaluated: 2025-10-26. Review status: criteria provided, single submitter. Criteria: Invitae Variant Classification Sherloc (09022015). Collection method: clinical testing. Allele origin: germline.
Comment: This sequence change replaces serine, which is neutral and polar, with asparagine, which is neutral and polar, at codon 123 of the DEPDC5 protein (p.Ser123Asn). This variant is not present in population databases (gnomAD no frequency). This variant has not been reported in the literature in individuals affected with DEPDC5-related conditions. ClinVar contains an entry for this variant (Variation ID: 4010980). Experimental studies and prediction algorithms are not available or were not evaluated, and the functional significance of this variant is currently unknown. In summary, the available evidence is currently insufficient to determine the role of this variant in disease. Therefore, it has been classified as a Variant of Uncertain Significance.

Ambry Genetics
Classification: Uncertain significance for Inborn genetic diseases. Last evaluated: 2025-05-03. Review status: criteria provided, single submitter. Criteria: Ambry Variant Classification Scheme 2023. Collection method: clinical testing. Allele origin: germline.